The following is an entry in ClinVar:

NM_018718.3(CEP41):c.971C>T (p.Pro324Leu)

Gene: CEP41 (centrosomal protein 41; minus strand). Cytogenetic location: 7q32.2.
Variant type: single nucleotide variant.
Coding change: c.971C>T on transcript NM_018718.3 (MANE Select); coding-DNA position 971, C replaced by T.
Protein change: p.Pro324Leu; replaces proline 324 with leucine.
Molecular consequence: missense variant. On other transcripts: non-coding transcript variant (1), intron variant (2).
Genome position (GRCh38, 1-based): chr7:130,400,041, G>A on the plus strand (C>T on the coding strand, the complement: CEP41 is on the minus strand). VCF-style: chr7-130400041-G-A. GRCh37 (hg19) VCF-style: chr7-130039882-G-A.
Other names: c.971C>T (NM_018718.2); c.709+666C>T (NM_001257159.2); c.757+666C>T (NM_001257158.2); short protein forms P324L.
Identifiers: ClinVar variation 1485026 (VCV001485026.8), dbSNP rs782474335, ClinGen allele CA4485432.
Genomic context (GRCh38, chr7:130,400,041, plus strand): 5'-TGAGGTGATATTCAAAGCTGCAAACCAAACATTATCTTTAAAGGTCAAAAGATCTTACTA[G>A]GATGATCTGCAGGCCCTTGCTCCTCTTCCAGATAATATTCTATCTTTTTTAAGTCTTCTG-3'
Protein context (NP_061188.1, residues 314-334): LEEEQGPADH[Pro324Leu]SRLNQANSSG

ClinVar aggregate classification (germline): Uncertain significance. Review status: criteria provided, multiple submitters, no conflicts (2 of 4 stars). 2 submissions from 2 submitters: Uncertain significance (2). Last evaluated 2023-07-17.

Conditions:
Joubert syndrome 15 (JBTS15). Identifiers: Orphanet 475, MedGen C3280897, MONDO:0013763, OMIM 614464.

Allele frequency attached by ClinVar (database versions not stated): gnomAD 0.00001; gnomAD exomes 0.00001; TOPMed 0.00001; ExAC 0.00002.
gnomAD v4.1: 12 of 1,589,860 alleles (0.00075%); highest among the groups gnomAD compares: Middle Eastern, 0.022%; no homozygotes.

Submissions (3):

Victorian Clinical Genetics Services, Murdoch Childrens Research Institute
Classification: Uncertain significance for Joubert syndrome 15. Last evaluated: 2023-07-17. Review status: criteria provided, single submitter. Criteria: ACMG Guidelines, 2015. Collection method: clinical testing. Allele origin: germline. Inheritance: Autosomal recessive inheritance. Affected: yes.
Comment: Based on the classification scheme VCGS_Germline_v1.3.4, this variant is classified as VUS-3C. Following criteria are met: 0102 - Loss of function is a known mechanism of disease in this gene and is associated with Joubert syndrome 15 (MIM#614464). (I) 0106 - This gene is associated with autosomal recessive disease. (I) 0200 - Variant is predicted to result in a missense amino acid change from proline to leucine. (I) 0219 - This variant is non-coding in an alternative transcript. This variant is coding in the ClinVar predominant transcript, but non-coding in an additional three transcripts of uncertain significance (UCSC, GTex). (I) 0252 - This variant is homozygous. (I) 0304 - Variant is present in gnomAD (v2, v3) <0.01 for a recessive condition (3 heterozygotes, 0 homozygotes). (SP) 0504 - Same amino acid change has been observed in placental mammals. (SB) 0604 - Variant is not located in an established domain, motif, hotspot or informative constraint region. (I) 0705 - No comparable missense variants have previous evidence for pathogenicity. (I) 0809 - Previous evidence of pathogenicity for this variant is inconclusive. This variant has been reported once as a VUS (ClinVar). (I) 0905 - No published segregation evidence has been identified for this variant. (I) 1007 - No published functional evidence has been identified for this variant. (I) 1209 - This variant has been shown to be both maternally and paternally inherited (biallelic, by trio analysis). (I) Legend: (SP) - Supporting pathogenic, (I) - Information, (SB) - Supporting benign

Labcorp Genetics (formerly Invitae), Labcorp
Classification: Uncertain significance for Joubert syndrome 15. Last evaluated: 2022-08-16. Review status: criteria provided, single submitter. Criteria: Invitae Variant Classification Sherloc (09022015). Collection method: clinical testing. Allele origin: germline.
Comment: ClinVar contains an entry for this variant (Variation ID: 1485026). This variant has not been reported in the literature in individuals affected with CEP41-related conditions. This variant is present in population databases (rs782474335, gnomAD 0.003%). This sequence change replaces proline, which is neutral and non-polar, with leucine, which is neutral and non-polar, at codon 324 of the CEP41 protein (p.Pro324Leu). Algorithms developed to predict the effect of missense changes on protein structure and function output the following: SIFT: "Deleterious"; PolyPhen-2: "Benign"; Align-GVGD: "Class C0". The leucine amino acid residue is found in multiple mammalian species, which suggests that this missense change does not adversely affect protein function. In summary, the available evidence is currently insufficient to determine the role of this variant in disease. Therefore, it has been classified as a Variant of Uncertain Significance.

Dr. Peter K. Rogan Lab, Western University
No classification provided (evidence only). Condition: Thymoma. Review status: no classification provided. Collection method: in vitro. Allele origin: not applicable. Functional consequence: skipped exon. Not counted in ClinVar's aggregate classification.